The following is an entry in ClinVar:

NM_001017420.3(ESCO2):c.1345A>G (p.Ile449Val)

Gene: ESCO2 (establishment of sister chromatid cohesion N-acetyltransferase 2; plus strand). Cytogenetic location: 8p21.1.
Variant type: single nucleotide variant.
Coding change: c.1345A>G on transcript NM_001017420.3 (MANE Select); coding-DNA position 1345, A replaced by G.
Protein change: p.Ile449Val; replaces isoleucine 449 with valine.
Molecular consequence: missense variant.
Genome position (GRCh38, 1-based): chr8:27,792,044, A>G. VCF-style: chr8-27792044-A-G. GRCh37 (hg19) VCF-style: chr8-27649561-A-G.
Other names: c.1345A>G (NM_001017420.2); short protein forms I449V.
Identifiers: ClinVar variation 2154985 (VCV002154985.3), dbSNP rs371574054, ClinGen allele CA174266851.

ClinVar aggregate classification (germline): Uncertain significance. Review status: criteria provided, multiple submitters, no conflicts (2 of 4 stars). 2 submissions from 2 submitters: Uncertain significance (2). Last evaluated 2025-04-03.

Conditions:
Inborn genetic diseases. Identifiers: MedGen C0950123, MeSH D030342.

Allele frequency attached by ClinVar (database versions not stated): TOPMed 0.00003; 1000 Genomes Project 30x 0.00016; 1000 Genomes Project 0.00020; ESP Exome Variant Server 0.00008; gnomAD exomes below 0.00001; gnomAD 0.00007.
gnomAD v4.1: 15 of 1,614,146 alleles (0.00093%); highest among the groups gnomAD compares: African/African-American, 0.016%; no homozygotes.

Submissions (2):

Ambry Genetics
Classification: Uncertain significance for Inborn genetic diseases. Last evaluated: 2025-04-03. Review status: criteria provided, single submitter. Criteria: Ambry Variant Classification Scheme 2023. Collection method: clinical testing. Allele origin: germline.

Labcorp Genetics (formerly Invitae), Labcorp
Classification: Uncertain significance. Last evaluated: 2024-04-29. Review status: criteria provided, single submitter. Criteria: Invitae Variant Classification Sherloc (09022015). Collection method: clinical testing. Allele origin: germline.
Comment: This sequence change replaces isoleucine, which is neutral and non-polar, with valine, which is neutral and non-polar, at codon 449 of the ESCO2 protein (p.Ile449Val). This variant is present in population databases (rs371574054, gnomAD 0.008%). This variant has not been reported in the literature in individuals affected with ESCO2-related conditions. ClinVar contains an entry for this variant (Variation ID: 2154985). Algorithms developed to predict the effect of missense changes on protein structure and function output the following: SIFT: "Not Available"; PolyPhen-2: "Benign"; Align-GVGD: "Not Available". The valine amino acid residue is found in multiple mammalian species, which suggests that this missense change does not adversely affect protein function. In summary, the available evidence is currently insufficient to determine the role of this variant in disease. Therefore, it has been classified as a Variant of Uncertain Significance.